The following is an entry in ClinVar:

ClinVar aggregate classification (germline): Uncertain significance (1 of 4 stars; one submission).

Conditions:
Autosomal dominant Parkinson disease 8. Also called: LRRK2-Related Parkinson Disease; Parkinson disease 8; Parkinson disease 8, susceptibility to. Identifiers: Orphanet 411602, MedGen C1846862, MONDO:0011764, OMIM 607060.

gnomAD v4.1: 1 of 1,613,638 alleles (0.000062%); highest among the groups gnomAD compares: East Asian, 0.0022%; no homozygotes.

Submission:

Labcorp Genetics (formerly Invitae), Labcorp
Classification: Uncertain significance for Autosomal dominant Parkinson disease 8. Last evaluated: 2022-11-23. Review status: criteria provided, single submitter. Criteria: Invitae Variant Classification Sherloc (09022015). Collection method: clinical testing. Allele origin: germline.
Comment: In summary, the available evidence is currently insufficient to determine the role of this variant in disease. Therefore, it has been classified as a Variant of Uncertain Significance. Advanced modeling of protein sequence and biophysical properties (such as structural, functional, and spatial information, amino acid conservation, physicochemical variation, residue mobility, and thermodynamic stability) has been performed at Invitae for this missense variant, however the output from this modeling did not meet the statistical confidence thresholds required to predict the impact of this variant on LRRK2 protein function. ClinVar contains an entry for this variant (Variation ID: 1397544). This missense change has been observed in individual(s) with Parkinson disease (PMID: 33818904). This variant is not present in population databases (gnomAD no frequency). This sequence change replaces threonine, which is neutral and polar, with isoleucine, which is neutral and non-polar, at codon 1271 of the LRRK2 protein (p.Thr1271Ile).

Literature cited by the submitters: PubMed 33818904.

NM_198578.4(LRRK2):c.3812C>T (p.Thr1271Ile)

Gene: LRRK2 (leucine rich repeat kinase 2; plus strand). Cytogenetic location: 12q12.
Variant type: single nucleotide variant.
Coding change: c.3812C>T on transcript NM_198578.4 (MANE Select); coding-DNA position 3812, C replaced by T.
Protein change: p.Thr1271Ile; replaces threonine 1271 with isoleucine.
Molecular consequence: missense variant.
Genome position (GRCh38, 1-based): chr12:40,305,819, C>T. VCF-style: chr12-40305819-C-T. GRCh37 (hg19) VCF-style: chr12-40699621-C-T.
Other names: short protein forms T1271I.
Identifiers: ClinVar variation 1397544 (VCV001397544.8), dbSNP rs2136793898, ClinGen allele CA384417100.
Genomic context (GRCh38, chr12:40,305,819, plus strand): 5'-GTTTTGCCCTTTTTTTTCCCATTAAGATTCCTCCTGAGATTGGCTGTCTTGAAAATCTGA[C>T]ATCTCTGGATGTCAGTTACAACTTGGAACTAAGATCCTTTCCCAATGAAATGGGGAAATT-3'
Protein context (NP_940980.4, residues 1261-1281): PPEIGCLENL[Thr1271Ile]SLDVSYNLEL